The following is an entry in ClinVar:

ClinVar aggregate classification (germline): Conflicting classifications of pathogenicity. Review status: criteria provided, conflicting classifications (1 of 4 stars). 4 submissions from 4 submitters: Uncertain significance (2); Likely benign (2). Last evaluated 2026-07-01.

Conditions:
Inborn genetic diseases. Identifiers: MedGen C0950123, MeSH D030342.

gnomAD v4.1: 107 of 1,613,804 alleles (0.0066%); highest among the groups gnomAD compares: Middle Eastern, 0.033%; no homozygotes.

Submissions (4):

CeGaT Center for Human Genetics Tuebingen
Classification: Likely benign. Last evaluated: 2026-07-01. Review status: criteria provided, single submitter. Criteria: CeGaT Center For Human Genetics Tuebingen Variant Classification Criteria Version 2. Collection method: clinical testing. Allele origin: germline. Affected: yes. Observed: 1 variant allele.
Comment: CCDC88C: BP4

Labcorp Genetics (formerly Invitae), Labcorp
Classification: Uncertain significance. Last evaluated: 2025-10-02. Review status: criteria provided, single submitter. Criteria: Invitae Variant Classification Sherloc (09022015). Collection method: clinical testing. Allele origin: germline.
Comment: This sequence change replaces methionine, which is neutral and non-polar, with valine, which is neutral and non-polar, at codon 585 of the CCDC88C protein (p.Met585Val). This variant is present in population databases (rs370758883, gnomAD 0.02%). This variant has not been reported in the literature in individuals affected with CCDC88C-related conditions. ClinVar contains an entry for this variant (Variation ID: 3729225). An algorithm developed to predict the effect of missense changes on protein structure and function outputs the following: PolyPhen-2: "Benign". The valine amino acid residue is found in multiple mammalian species, which suggests that this missense change does not adversely affect protein function. In summary, the available evidence is currently insufficient to determine the role of this variant in disease. Therefore, it has been classified as a Variant of Uncertain Significance.

Ambry Genetics
Classification: Likely benign for Inborn genetic diseases. Last evaluated: 2025-08-09. Review status: criteria provided, single submitter. Criteria: Ambry Variant Classification Scheme 2023. Collection method: clinical testing. Allele origin: germline.

GeneDx
Classification: Uncertain significance. Last evaluated: 2024-10-11. Review status: criteria provided, single submitter. Criteria: GeneDx Variant Classification Process June 2021. Collection method: clinical testing. Allele origin: germline. Affected: yes.
Comment: In silico analysis indicates that this missense variant does not alter protein structure/function; Has not been previously published as pathogenic or benign to our knowledge

NM_001080414.4(CCDC88C):c.1753A>G (p.Met585Val)

Gene: CCDC88C (coiled-coil and HOOK domain protein 88C; minus strand). Cytogenetic location: 14q32.11.
Variant type: single nucleotide variant.
Coding change: c.1753A>G on transcript NM_001080414.4 (MANE Select); coding-DNA position 1753, A replaced by G.
Protein change: p.Met585Val; replaces methionine 585 with valine.
Molecular consequence: missense variant. On other transcripts: non-coding transcript variant (2).
Genome position (GRCh38, 1-based): chr14:91,314,063, T>C on the plus strand (A>G on the coding strand, the complement: CCDC88C is on the minus strand). VCF-style: chr14-91314063-T-C. GRCh37 (hg19) VCF-style: chr14-91780407-T-C.
Other names: c.1753A>G (NM_001080414.3); short protein forms M585V.
Identifiers: ClinVar variation 3729225 (VCV003729225.5).
Genomic context (GRCh38, chr14:91,314,063, plus strand): 5'-TGCCATTGGCCTCCGTCACCGTCTGGTGGAGGGCTTTGTTCTCCTTCTCCACGTCTTTCA[T>C]GCGGGCCTCACTGCTGACCTGCGACCTCTCCCGCAGCGACCACATGGCTCGGTTGAGGTG-3'
Protein context (NP_001073883.2, residues 575-595): ERSQVSSEAR[Met585Val]KDVEKENKAL